The following is an entry in ClinVar:

ClinVar aggregate classification (germline): Uncertain significance. Review status: criteria provided, multiple submitters, no conflicts (2 of 4 stars). 4 submissions from 4 submitters: Uncertain significance (4). Last evaluated 2026-07-30.

Conditions:
Xeroderma pigmentosum group A (XPA). Also called: Xeroderma pigmentosum, complementation group A; XP, group A; XPA-Related Xeroderma Pigmentosum. Identifiers: Orphanet 910, MedGen C0268135, MONDO:0010210, OMIM 278700.
XPA-related disorder. Also called: XPA-related condition.

Allele frequency attached by ClinVar (database versions not stated): gnomAD exomes 0.00005 and 0.00008; gnomAD 0.00006 and 0.00007; ExAC 0.00017; TOPMed 0.00012.
gnomAD v4.1: 88 of 1,584,716 alleles (0.0056%); highest among the groups gnomAD compares: Middle Eastern, 0.086%; no homozygotes.

Submissions (4):

PreventionGenetics, part of Exact Sciences
Classification: Uncertain significance for XPA-related condition. Last evaluated: 2026-07-30. Review status: criteria provided, single submitter. Criteria: ACMG Guidelines, 2015. Collection method: clinical testing. Allele origin: germline.
Comment: The XPA c.122C>T variant is predicted to result in the amino acid substitution p.Ala41Val. To our knowledge, this variant has not been reported in the literature. It is reported in 0.019% of alleles in individuals of Latino descent in gnomAD and is classified as uncertain in ClinVar (Variation ID: 1319452). At this time, the clinical significance of this variant is uncertain due to the absence of conclusive functional and genetic evidence.

Labcorp Genetics (formerly Invitae), Labcorp
Classification: Uncertain significance. Last evaluated: 2022-05-19. Review status: criteria provided, single submitter. Criteria: Invitae Variant Classification Sherloc (09022015). Collection method: clinical testing. Allele origin: germline.
Comment: This sequence change replaces alanine, which is neutral and non-polar, with valine, which is neutral and non-polar, at codon 41 of the XPA protein (p.Ala41Val). This variant is present in population databases (rs778289269, gnomAD 0.02%). This variant has not been reported in the literature in individuals affected with XPA-related conditions. ClinVar contains an entry for this variant (Variation ID: 1319452). Algorithms developed to predict the effect of missense changes on protein structure and function are either unavailable or do not agree on the potential impact of this missense change (SIFT: "Not Available"; PolyPhen-2: "Possibly Damaging"; Align-GVGD: "Not Available"). Algorithms developed to predict the effect of sequence changes on RNA splicing suggest that this variant may create or strengthen a splice site. In summary, the available evidence is currently insufficient to determine the role of this variant in disease. Therefore, it has been classified as a Variant of Uncertain Significance.

Institute for Clinical Genetics, University Hospital TU Dresden, University Hospital TU Dresden
Classification: Uncertain significance. Last evaluated: 2021-11-03. Review status: criteria provided, single submitter. Criteria: ACMG Guidelines, 2015. Collection method: clinical testing. Allele origin: germline.

Revvity Omics, Revvity
Classification: Uncertain significance for Xeroderma pigmentosum group A. Last evaluated: 2019-05-21. Review status: criteria provided, single submitter. Criteria: ACMG Guidelines, 2015. Collection method: clinical testing. Allele origin: germline.

NM_000380.4(XPA):c.122C>T (p.Ala41Val)

Gene: XPA (XPA, DNA damage recognition and repair factor; minus strand). Cytogenetic location: 9q22.33.
Variant type: single nucleotide variant.
Coding change: c.122C>T on transcript NM_000380.4 (MANE Select); coding-DNA position 122, C replaced by T.
Protein change: p.Ala41Val; replaces alanine 41 with valine.
Molecular consequence: missense variant. On other transcripts: 5 prime UTR variant (1), non-coding transcript variant (5).
Genome position (GRCh38, 1-based): chr9:97,697,171, G>A on the plus strand (C>T on the coding strand, the complement: XPA is on the minus strand). VCF-style: chr9-97697171-G-A. GRCh37 (hg19) VCF-style: chr9-100459453-G-A.
Other names: c.-1028C>T (NM_001354975.2); short protein forms A41V.
Identifiers: ClinVar variation 1319452 (VCV001319452.8), dbSNP rs778289269, ClinGen allele CA5148912.
Genomic context (GRCh38, chr9:97,697,171, plus strand): 5'-CGGCCCAAACCTCCAGTAGCCGCAGCCGCCGTCGCCGAGTAGGGCCGGGCAGCCAGCCGG[G>A]CCTGGCGCAGCATCAGTGCCCGCTGCCGCTTCCGCTCGATACTCGCCCGCACCGAGGCAG-3'
Protein context (NP_000371.1, residues 31-51): KRQRALMLRQ[Ala41Val]RLAARPYSAT